The following is an entry in ClinVar:

ClinVar aggregate classification (germline): Benign/Likely benign. Review status: criteria provided, multiple submitters, no conflicts (2 of 4 stars). 3 submissions from 3 submitters: Benign (1); Likely benign (2). Last evaluated 2026-03-01.

Conditions:
EP300-related disorder. Also called: EP300-related disorders; EP300-related condition.
Rubinstein-Taybi syndrome due to EP300 haploinsufficiency. Also called: RUBINSTEIN-TAYBI SYNDROME 2; EP300-Related Rubinstein-Taybi Syndrome. Identifiers: Orphanet 353284, Orphanet 783, MedGen C3150941, MONDO:0013364, OMIM 613684.

Allele frequency attached by ClinVar (database versions not stated): TOPMed 0.00003; ExAC 0.00004; gnomAD 0.00004; gnomAD exomes 0.00004.
gnomAD v4.1: 62 of 1,613,964 alleles (0.0038%); highest among the groups gnomAD compares: Non-Finnish European, 0.0048%; no homozygotes.

Submissions (3):

CeGaT Center for Human Genetics Tuebingen
Classification: Likely benign. Last evaluated: 2026-03-01. Review status: criteria provided, single submitter. Criteria: CeGaT Center For Human Genetics Tuebingen Variant Classification Criteria Version 2. Collection method: clinical testing. Allele origin: germline. Affected: yes. Observed: 2 variant alleles.
Comment: EP300: BS2

PreventionGenetics, part of Exact Sciences
Classification: Likely benign for EP300-related condition. Last evaluated: 2025-09-28. Review status: criteria provided, single submitter. Criteria: ACMG Guidelines, 2015. Collection method: clinical testing. Allele origin: germline.
Comment: This variant is classified as likely benign based on ACMG/AMP sequence variant interpretation guidelines (Richards et al. 2015 PMID: 25741868, with internal and published modifications).

Labcorp Genetics (formerly Invitae), Labcorp
Classification: Benign for Rubinstein-Taybi syndrome due to EP300 haploinsufficiency. Last evaluated: 2024-08-21. Review status: criteria provided, single submitter. Criteria: Invitae Variant Classification Sherloc (09022015). Collection method: clinical testing. Allele origin: germline.

NM_001429.4(EP300):c.713G>A (p.Gly238Asp)

Gene: EP300 (EP300 lysine acetyltransferase; plus strand). Cytogenetic location: 22q13.2.
Variant type: single nucleotide variant.
Coding change: c.713G>A on transcript NM_001429.4 (MANE Select); coding-DNA position 713, G replaced by A.
Protein change: p.Gly238Asp; replaces glycine 238 with aspartic acid.
Molecular consequence: missense variant.
Genome position (GRCh38, 1-based): chr22:41,117,805, G>A. VCF-style: chr22-41117805-G-A. GRCh37 (hg19) VCF-style: chr22-41513809-G-A.
Other names: c.713G>A, p.Gly238Asp (NM_001362843.2); c.713G>A (NM_001429.3); short protein forms G238D.
Identifiers: ClinVar variation 2062549 (VCV002062549.22), dbSNP rs761125378, ClinGen allele CA10252307.